The following is an entry in ClinVar:

ClinVar aggregate classification (germline): Conflicting classifications of pathogenicity. Review status: criteria provided, conflicting classifications (1 of 4 stars). 2 submissions from 2 submitters: Uncertain significance (1); Benign (1). Last evaluated 2026-03-29.

Conditions:
Familial thoracic aortic aneurysm and aortic dissection (TAAD). Also called: Thoracic aortic aneurysms and dissections. Identifiers: Orphanet 91387, MedGen C4707243, MONDO:0019625.
Melnick-Needles syndrome (MNS). Also called: MELNICK-NEEDLES OSTEODYSPLASTY; OSTEODYSPLASTY OF MELNICK AND NEEDLES; Melnick-Needles Syndrome (FLNA-MNS). Identifiers: Orphanet 2484, MedGen C0025237, MONDO:0010650, OMIM 309350.
Oto-palato-digital syndrome, type II (OPD2). Also called: Otopalatodigital Syndrome, Type II; FACIOPALATOOSSEOUS SYNDROME; OPD II SYNDROME; Otopalatodigital Syndrome Type 2 (FLNA-OPD2). Identifiers: Orphanet 669, Orphanet 90652, MedGen C1844696, MONDO:0010571, OMIM 304120.
Frontometaphyseal dysplasia (FMD1). Identifiers: Orphanet 1826, MedGen C0265293, MONDO:0015942.
Heterotopia, periventricular, X-linked dominant (PVNH1). Also called: PERIVENTRICULAR NODULAR HETEROTOPIA 4; HETEROTOPIA, PERIVENTRICULAR, 1; PERIVENTRICULAR NODULAR HETEROTOPIA 1; X-linked periventricular heterotopia. Identifiers: Orphanet 2149, Orphanet 82004, MedGen C1848213, MONDO:0010233, OMIM 300049.

Allele frequency attached by ClinVar (database versions not stated): gnomAD exomes below 0.00001; TOPMed 0.00002.
gnomAD v4.1: 1 of 1,211,036 alleles (0.000083%); highest among the groups gnomAD compares: East Asian, 0.003%; no homozygotes.

Submissions (2):

Ambry Genetics
Classification: Uncertain significance for Familial thoracic aortic aneurysm and aortic dissection. Last evaluated: 2026-03-29. Review status: criteria provided, single submitter. Criteria: Ambry Variant Classification Scheme 2023. Collection method: clinical testing. Allele origin: germline.
Comment: The p.Q1488E variant (also known as c.4462C>G), located in coding exon 25 of the FLNA gene, results from a C to G substitution at nucleotide position 4462. The glutamine at codon 1488 is replaced by glutamic acid, an amino acid with highly similar properties. This amino acid position is conserved. In addition, this alteration is predicted to be tolerated by in silico analysis. Based on the available evidence, the clinical significance of this variant remains unclear.

Labcorp Genetics (formerly Invitae), Labcorp
Classification: Benign for Oto-palato-digital syndrome, type II; Heterotopia, periventricular, X-linked dominant; Frontometaphyseal dysplasia; Melnick-Needles syndrome. Last evaluated: 2023-11-19. Review status: criteria provided, single submitter. Criteria: Invitae Variant Classification Sherloc (09022015). Collection method: clinical testing. Allele origin: germline.

NM_001110556.2(FLNA):c.4462C>G (p.Gln1488Glu)

Gene: FLNA (filamin A; minus strand). Cytogenetic location: Xq28.
Variant type: single nucleotide variant.
Coding change: c.4462C>G on transcript NM_001110556.2 (MANE Select); coding-DNA position 4462, C replaced by G.
Protein change: p.Gln1488Glu; replaces glutamine 1488 with glutamic acid.
Molecular consequence: missense variant.
Genome position (GRCh38, 1-based): chrX:154,358,996, G>C on the plus strand (C>G on the coding strand, the complement: FLNA is on the minus strand). VCF-style: chrX-154358996-G-C. GRCh37 (hg19) VCF-style: chrX-153587364-G-C.
Other names: c.4462C>G (NM_001456.3); c.4462C>G, p.Gln1488Glu (NM_001456.4); short protein forms Q1488E.
Identifiers: ClinVar variation 2954044 (VCV002954044.4), dbSNP rs1285230988, ClinGen allele CA415216189.
Genomic context (GRCh38, chrX:154,358,996, plus strand): 5'-CAGGACACTGCCCTCCTGACCCCTGGCTCCAGGCATGCAAACACTCACCTTTGGGCCCTT[G>C]CACTTTGACCTGCAATGGGGCCACACCAGCCTTGCTTGTGTCCACCTGGAAGGACTGAGG-3'
Protein context (NP_001104026.1, residues 1478-1498): AGVAPLQVKV[Gln1488Glu]GPKGLVEPVD